The following is an entry in ClinVar:

NM_005956.4(MTHFD1):c.1669C>T (p.Arg557Trp)

Gene: MTHFD1 (methylenetetrahydrofolate dehydrogenase, cyclohydrolase and formyltetrahydrofolate synthetase 1; plus strand). Cytogenetic location: 14q23.3.
Variant type: single nucleotide variant.
Coding change: c.1669C>T on transcript NM_005956.4 (MANE Select); coding-DNA position 1669, C replaced by T.
Protein change: p.Arg557Trp; replaces arginine 557 with tryptophan.
Molecular consequence: missense variant.
Genome position (GRCh38, 1-based): chr14:64,439,167, C>T. VCF-style: chr14-64439167-C-T. GRCh37 (hg19) VCF-style: chr14-64905885-C-T.
Other names: c.1669C>T, p.Arg557Trp (NM_001364837.1); short protein forms R557W.
Identifiers: ClinVar variation 2146482 (VCV002146482.1), dbSNP rs776643263, ClinGen allele CA7226320.

ClinVar aggregate classification (germline): Uncertain significance (1 of 4 stars; one submission).

Allele frequency attached by ClinVar (database versions not stated): ExAC 0.00001; gnomAD 0.00002; TOPMed 0.00002.
gnomAD v4.1: 49 of 1,612,644 alleles (0.003%); highest among the groups gnomAD compares: African/African-American, 0.0053%; no homozygotes.

Submission:

Labcorp Genetics (formerly Invitae), Labcorp
Classification: Uncertain significance. Last evaluated: 2022-01-17. Review status: criteria provided, single submitter. Criteria: Invitae Variant Classification Sherloc (09022015). Collection method: clinical testing. Allele origin: germline.
Comment: This sequence change replaces arginine, which is basic and polar, with tryptophan, which is neutral and slightly polar, at codon 557 of the MTHFD1 protein (p.Arg557Trp). This variant is present in population databases (rs776643263, gnomAD 0.02%). This variant has not been reported in the literature in individuals affected with MTHFD1-related conditions. Algorithms developed to predict the effect of missense changes on protein structure and function are either unavailable or do not agree on the potential impact of this missense change (SIFT: "Deleterious"; PolyPhen-2: "Probably Damaging"; Align-GVGD: "Class C0"). In summary, the available evidence is currently insufficient to determine the role of this variant in disease. Therefore, it has been classified as a Variant of Uncertain Significance.